The following is an entry in ClinVar:

ClinVar aggregate classification (germline): Likely pathogenic (1 of 4 stars; one submission).

Submission:

Institute for Clinical Genetics, University Hospital TU Dresden, University Hospital TU Dresden
Classification: Likely pathogenic. Last evaluated: 2022-04-01. Review status: criteria provided, single submitter. Criteria: ACMG Guidelines, 2015. Collection method: clinical testing. Allele origin: germline.
Comment: PM1, PP4_MOD, PP3, PP2, PM2_SUP

NM_001035.3(RYR2):c.6839T>C (p.Leu2280Pro)

Gene: RYR2 (ryanodine receptor 2; plus strand). Cytogenetic location: 1q43.
Variant type: single nucleotide variant.
Coding change: c.6839T>C on transcript NM_001035.3 (MANE Select); coding-DNA position 6839, T replaced by C.
Protein change: p.Leu2280Pro; replaces leucine 2280 with proline.
Molecular consequence: missense variant.
Genome position (GRCh38, 1-based): chr1:237,638,403, T>C. VCF-style: chr1-237638403-T-C. GRCh37 (hg19) VCF-style: chr1-237801703-T-C.
Other names: short protein forms L2280P.
Identifiers: ClinVar variation 2575972 (VCV002575972.1), dbSNP rs2546959015, ClinGen allele CA345395517.